The following is an entry in ClinVar:

NM_001042492.3(NF1):c.4379A>C (p.His1460Pro)

Gene: NF1 (neurofibromin 1; plus strand). Cytogenetic location: 17q11.2.
Variant type: single nucleotide variant.
Coding change: c.4379A>C on transcript NM_001042492.3 (MANE Select); coding-DNA position 4379, A replaced by C.
Protein change: p.His1460Pro; replaces histidine 1460 with proline.
Molecular consequence: missense variant.
Genome position (GRCh38, 1-based): chr17:31,259,078, A>C. VCF-style: chr17-31259078-A-C. GRCh37 (hg19) VCF-style: chr17-29586096-A-C.
Other names: c.4316A>C, p.His1439Pro (NM_000267.4); short protein forms H1439P, H1460P.
Identifiers: ClinVar variation 3722674 (VCV003722674.2).

ClinVar aggregate classification (germline): Likely pathogenic (1 of 4 stars; one submission).

Conditions:
Neurofibromatosis, type 1 (NF1). Also called: VON RECKLINGHAUSEN DISEASE; NEUROFIBROMATOSIS, TYPE I, SOMATIC; Peripheral type neurofibromatosis; Neurofibromatosis, type I. Identifiers: Orphanet 636, MedGen C0027831, MONDO:0018975, OMIM 162200. Disease mechanism: loss of function.

Submission:

Labcorp Genetics (formerly Invitae), Labcorp
Classification: Likely pathogenic for Neurofibromatosis, type 1. Last evaluated: 2024-08-31. Review status: criteria provided, single submitter. Criteria: Invitae Variant Classification Sherloc (09022015). Collection method: clinical testing. Allele origin: germline.
Comment: This sequence change replaces histidine, which is basic and polar, with proline, which is neutral and non-polar, at codon 1439 of the NF1 protein (p.His1439Pro). This variant is not present in population databases (gnomAD no frequency). This missense change has been observed in individual(s) with NF1-related conditions (PMID: 27716896). Invitae Evidence Modeling of protein sequence and biophysical properties (such as structural, functional, and spatial information, amino acid conservation, physicochemical variation, residue mobility, and thermodynamic stability) indicates that this missense variant is expected to disrupt NF1 protein function with a positive predictive value of 95%. In summary, the currently available evidence indicates that the variant is pathogenic, but additional data are needed to prove that conclusively. Therefore, this variant has been classified as Likely Pathogenic.

Literature cited by the submitters: PubMed 27716896.